The following is an entry in ClinVar:

NM_004817.4(TJP2):c.899G>C (p.Arg300Thr)

Gene: TJP2 (tight junction protein 2; plus strand). Cytogenetic location: 9q21.11.
Variant type: single nucleotide variant.
Coding change: c.899G>C on transcript NM_004817.4 (MANE Select); coding-DNA position 899, G replaced by C.
Protein change: p.Arg300Thr; replaces arginine 300 with threonine.
Molecular consequence: missense variant.
Genome position (GRCh38, 1-based): chr9:69,221,443, G>C. VCF-style: chr9-69221443-G-C. GRCh37 (hg19) VCF-style: chr9-71836359-G-C.
Other names: c.830G>C, p.Arg277Thr (NM_001170414.2, NM_001369870.1, NM_001369871.1); c.911G>C, p.Arg304Thr (NM_001170415.1, NM_001369874.1, NM_001369875.1); c.992G>C, p.Arg331Thr (NM_001170416.2); c.899G>C, p.Arg300Thr (NM_001369872.1, NM_001369873.1, NM_201629.3); short protein forms R277T, R300T, R304T, R331T.
Identifiers: ClinVar variation 4184870 (VCV004184870.2).

ClinVar aggregate classification (germline): Uncertain significance. Review status: criteria provided, multiple submitters, no conflicts (2 of 4 stars). 2 submissions from 2 submitters: Uncertain significance (2). Last evaluated 2025-11-07.

Conditions:
TJP2-related disorder. Also called: TJP2-related condition.
Inborn genetic diseases. Identifiers: MedGen C0950123, MeSH D030342.

gnomAD v4.1: 28 of 1,594,240 alleles (0.0018%); highest among the groups gnomAD compares: Middle Eastern, 0.033%; no homozygotes.

Submissions (2):

PreventionGenetics, part of Exact Sciences
Classification: Uncertain significance for TJP2-related condition. Last evaluated: 2025-11-07. Review status: criteria provided, single submitter. Criteria: ACMG Guidelines, 2015. Collection method: clinical testing. Allele origin: germline.
Comment: The TJP2 c.899G>C variant is predicted to result in the amino acid substitution p.Arg300Thr. To our knowledge, this variant has not been reported in the literature. This variant is reported in 0.0074% of alleles in individuals of South Asian descent in gnomAD. At this time, the clinical significance of this variant is uncertain due to the absence of conclusive functional and genetic evidence.

Ambry Genetics
Classification: Uncertain significance for Inborn genetic diseases. Last evaluated: 2025-08-23. Review status: criteria provided, single submitter. Criteria: Ambry Variant Classification Scheme 2023. Collection method: clinical testing. Allele origin: germline.